The following is an entry in ClinVar:

ClinVar aggregate classification (germline): Uncertain significance (1 of 4 stars; one submission).

Conditions:
Familial thoracic aortic aneurysm and aortic dissection (TAAD). Also called: Thoracic aortic aneurysms and dissections. Identifiers: Orphanet 91387, MedGen C4707243, MONDO:0019625.

gnomAD v4.1: 2 of 1,614,076 alleles (0.00012%); highest among the groups gnomAD compares: African/African-American, 0.0027%; no homozygotes.

Submission:

Ambry Genetics
Classification: Uncertain significance for Familial thoracic aortic aneurysm and aortic dissection. Last evaluated: 2024-11-06. Review status: criteria provided, single submitter. Criteria: Ambry Variant Classification Scheme 2023. Collection method: clinical testing. Allele origin: germline.
Comment: The p.I794T variant (also known as c.2381T>C), located in coding exon 13 of the MYLK gene, results from a T to C substitution at nucleotide position 2381. The isoleucine at codon 794 is replaced by threonine, an amino acid with similar properties. This amino acid position is conserved. In addition, the in silico prediction for this alteration is inconclusive. Based on the available evidence, the clinical significance of this variant remains unclear.

NM_053025.4(MYLK):c.2381T>C (p.Ile794Thr)

Gene: MYLK (myosin light chain kinase; minus strand). Cytogenetic location: 3q21.1.
Variant type: single nucleotide variant.
Coding change: c.2381T>C on transcript NM_053025.4 (MANE Select); coding-DNA position 2381, T replaced by C.
Protein change: p.Ile794Thr; replaces isoleucine 794 with threonine.
Molecular consequence: missense variant.
Genome position (GRCh38, 1-based): chr3:123,707,763, A>G on the plus strand (T>C on the coding strand, the complement: MYLK is on the minus strand). VCF-style: chr3-123707763-A-G. GRCh37 (hg19) VCF-style: chr3-123426610-A-G.
Other names: c.1853T>C, p.Ile618Thr (NM_001321309.2); c.2174T>C, p.Ile725Thr (NM_053026.4, NM_053028.4); c.2381T>C, p.Ile794Thr (NM_053027.4); short protein forms I618T, I794T, I725T.
Identifiers: ClinVar variation 3401072 (VCV003401072.1).
Genomic context (GRCh38, chr3:123,707,763, plus strand): 5'-AGGAATTTGGAGGGAAGGGTTAAGGGAGGCTGGCTGGACATGCAGACTCACTTGAGCAGG[A>G]TCTCATACTGGCCGGCATGCCAGGGCTGCACCTTCTTTAGAACCAGGGTGAACACGTCCT-3'
Protein context (NP_444253.3, residues 784-804): VQPWHAGQYE[Ile794Thr]LLKNRVGECS